The following is an entry in ClinVar:

ClinVar aggregate classification (germline): Likely benign. Review status: criteria provided, multiple submitters, no conflicts (2 of 4 stars). 3 submissions from 3 submitters: Likely benign (2). 1 of the submissions does not count toward it. Last evaluated 2026-01-05.

Conditions:
CHD4-related disorder. Also called: CHD4-related condition.

gnomAD v4.1: 6 of 1,614,032 alleles (0.00037%); highest among the groups gnomAD compares: Admixed American, 0.0017%; no homozygotes.

Submissions (3):

Labcorp Genetics (formerly Invitae), Labcorp
Classification: Likely benign. Last evaluated: 2026-01-05. Review status: criteria provided, single submitter. Criteria: Invitae Variant Classification Sherloc (09022015). Collection method: clinical testing. Allele origin: germline.

Blueprint Genetics
Classification: Likely benign. Last evaluated: 2024-09-23. Review status: criteria provided, single submitter. Criteria: ACMG Guidelines, 2015. Collection method: clinical testing. Allele origin: germline.

PreventionGenetics, part of Exact Sciences
Classification: Likely benign for CHD4-related condition. Last evaluated: 2019-06-11. Review status: no assertion criteria provided. Collection method: clinical testing. Allele origin: germline. Not counted in ClinVar's aggregate classification.
Comment: This variant is classified as likely benign based on ACMG/AMP sequence variant interpretation guidelines (Richards et al. 2015 PMID: 25741868, with internal and published modifications).

NM_001273.5(CHD4):c.4281A>C (p.Ala1427=)

Genes: CHD4 (chromodomain helicase DNA binding protein 4; minus strand), CHD4-AS1 (CHD4 antisense RNA 1; plus strand). Cytogenetic location: 12p13.31.
Variant type: single nucleotide variant.
Coding change: c.4281A>C on transcript NM_001273.5 (MANE Select); coding-DNA position 4281, A replaced by C.
Protein change: p.Ala1427=; no amino-acid change (alanine 1427 retained).
Molecular consequence: synonymous variant.
Genome position (GRCh38, 1-based): chr12:6,582,704, T>G on the plus strand (A>C on the coding strand, the complement: CHD4 is on the minus strand). VCF-style: chr12-6582704-T-G. GRCh37 (hg19) VCF-style: chr12-6691870-T-G.
Other names: c.4260A>C, p.Ala1420= (NM_001297553.2); c.4242A>C, p.Ala1414= (NM_001363606.2); c.4281A>C (NM_001273.3).
Identifiers: ClinVar variation 1420880 (VCV001420880.12), dbSNP rs766616340, ClinGen allele CA6411604.
Genomic context (GRCh38, chr12:6,582,704, plus strand): 5'-GTCTCTTACAAGCCACTGGGTAGTAAAAGCATCCTGAGGTGGCATACCATATCGCATAAT[T>G]GCATTAAGAAAGGCTTTTCGCTGACGAGCATTAAAACCAAGTACCTAGGGGAAGAAGAAA-3'
Protein context (NP_001264.2, residues 1417-1437): NARQRKAFLN[Ala1427=]IMRYGMPPQD